The following is an entry in ClinVar:

ClinVar aggregate classification (germline): Uncertain significance. Review status: criteria provided, multiple submitters, no conflicts (2 of 4 stars). 4 submissions from 4 submitters: Uncertain significance (4). Last evaluated 2025-10-29.

Conditions:
Hereditary cancer-predisposing syndrome. Also called: Tumor predisposition; Neoplastic Syndromes, Hereditary; Hereditary neoplastic syndrome; Hereditary Cancer Syndrome. Identifiers: Orphanet 140162, MedGen C0027672, MeSH D009386, MONDO:0015356.
Colorectal cancer, susceptibility to, 12 (CRCS12). Also called: COLORECTAL CANCER, SUSCEPTIBILITY TO, ON CHROMOSOME 12q24. Identifiers: Orphanet 220460, MedGen C3554460, MONDO:0014038, OMIM 615083.

Allele frequency attached by ClinVar (database versions not stated): TOPMed 0.00002; gnomAD 0.00005.
gnomAD v4.1: 10 of 1,614,080 alleles (0.00062%); highest among the groups gnomAD compares: African/African-American, 0.012%; no homozygotes.

Submissions (4):

Labcorp Genetics (formerly Invitae), Labcorp
Classification: Uncertain significance. Last evaluated: 2025-10-29. Review status: criteria provided, single submitter. Criteria: Invitae Variant Classification Sherloc (09022015). Collection method: clinical testing. Allele origin: germline.
Comment: This sequence change replaces histidine, which is basic and polar, with proline, which is neutral and non-polar, at codon 229 of the POLE protein (p.His229Pro). This variant is present in population databases (no rsID available, gnomAD 0.003%). This variant has not been reported in the literature in individuals affected with POLE-related conditions. ClinVar contains an entry for this variant (Variation ID: 850330). Invitae Evidence Modeling of protein sequence and biophysical properties (such as structural, functional, and spatial information, amino acid conservation, physicochemical variation, residue mobility, and thermodynamic stability) indicates that this missense variant is expected to disrupt POLE protein function with a positive predictive value of 80%. In summary, the available evidence is currently insufficient to determine the role of this variant in disease. Therefore, it has been classified as a Variant of Uncertain Significance.

Ambry Genetics
Classification: Uncertain significance for Hereditary cancer-predisposing syndrome. Last evaluated: 2024-12-03. Review status: criteria provided, single submitter. Criteria: Ambry Variant Classification Scheme 2023. Collection method: clinical testing. Allele origin: germline.
Comment: The p.H229P variant (also known as c.686A>C), located in coding exon 7 of the POLE gene, results from an A to C substitution at nucleotide position 686. The histidine at codon 229 is replaced by proline, an amino acid with similar properties. This amino acid position is highly conserved in available vertebrate species. In addition, the in silico prediction for this alteration is inconclusive. Based on the available evidence, the clinical significance of this variant remains unclear.

GeneDx
Classification: Uncertain significance. Last evaluated: 2023-05-21. Review status: criteria provided, single submitter. Criteria: GeneDx Variant Classification Process June 2021. Collection method: clinical testing. Allele origin: germline. Affected: yes.
Comment: Not observed at significant frequency in large population cohorts (gnomAD); In silico analysis supports that this missense variant has a deleterious effect on protein structure/function; Has not been previously published as pathogenic or benign to our knowledge

Baylor Genetics
Classification: Uncertain significance for Colorectal cancer, susceptibility to, 12. Last evaluated: 2019-02-25. Review status: criteria provided, single submitter. Criteria: ACMG Guidelines, 2015. Collection method: clinical testing. Allele origin: unknown. Affected: yes. Study: CSER-TexasKidsCanSeq.
Comment: This variant was determined to be of uncertain significance according to ACMG Guidelines, 2015 [PMID:25741868].

NM_006231.4(POLE):c.686A>C (p.His229Pro)

Gene: POLE (DNA polymerase epsilon, catalytic subunit; minus strand). Cytogenetic location: 12q24.33.
Variant type: single nucleotide variant.
Coding change: c.686A>C on transcript NM_006231.4 (MANE Select); coding-DNA position 686, A replaced by C.
Protein change: p.His229Pro; replaces histidine 229 with proline.
Molecular consequence: missense variant.
Genome position (GRCh38, 1-based): chr12:132,677,612, T>G on the plus strand (A>C on the coding strand, the complement: POLE is on the minus strand). VCF-style: chr12-132677612-T-G. GRCh37 (hg19) VCF-style: chr12-133254198-T-G.
Other names: short protein forms H229P.
Identifiers: ClinVar variation 850330 (VCV000850330.13), dbSNP rs1482513360, ClinGen allele CA387364767.